The following is an entry in ClinVar:

ClinVar aggregate classification (germline): Conflicting classifications of pathogenicity. Review status: criteria provided, conflicting classifications (1 of 4 stars). 3 submissions from 3 submitters: Likely pathogenic (1); Uncertain significance (2). Last evaluated 2022-11-25.

Conditions:
Aortic valve disease 1 (AOVD1). Identifiers: MedGen C3887892, MONDO:0024523, OMIM 109730.
Adams-Oliver syndrome 5 (AOS5). Identifiers: Orphanet 974, MedGen C4014970, MONDO:0014459, OMIM 616028.

gnomAD v4.1: 1 of 1,598,576 alleles (0.000063%); highest among the groups gnomAD compares: Non-Finnish European, 0.000085%; no homozygotes.

Submissions (3):

Laboratorio de Genetica e Diagnostico Molecular, Hospital Israelita Albert Einstein
Classification: Uncertain significance for Aortic valve disease 1. Last evaluated: 2022-11-25. Review status: criteria provided, single submitter. Criteria: ACMG Guidelines, 2015. Collection method: clinical testing. Allele origin: germline. Affected: yes. Observed: 1 variant allele.
Comment: ACMG classification criteria: PM2 moderated, PP2 supporting

Centre of Medical Genetics, University of Antwerp
Classification: Uncertain significance for Adams-Oliver syndrome 5. Last evaluated: 2017-12-01. Review status: criteria provided, single submitter. Criteria: Criteria for classifying variants, Center of Medical Genetics Antwerp, 2018. Collection method: research. Allele origin: maternal. Affected: yes.

Molecular and Medical Genetics Group, King's College London
Classification: Likely pathogenic for Adams-Oliver syndrome 5. Last evaluated: 2014-05-20. Review status: criteria provided, single submitter. Criteria: Submitter's publication. Collection method: research. Allele origin: inherited. Affected: yes.

Literature cited by the submitters: PubMed 29924900 (cited by Centre of Medical Genetics, University of Antwerp).

NM_017617.5(NOTCH1):c.1220C>G (p.Pro407Arg)

Gene: NOTCH1 (notch receptor 1; minus strand). Cytogenetic location: 9q34.3.
Variant type: single nucleotide variant.
Coding change: c.1220C>G on transcript NM_017617.5 (MANE Select); coding-DNA position 1220, C replaced by G.
Protein change: p.Pro407Arg; replaces proline 407 with arginine.
Molecular consequence: missense variant.
Genome position (GRCh38, 1-based): chr9:136,518,172, G>C on the plus strand (C>G on the coding strand, the complement: NOTCH1 is on the minus strand). VCF-style: chr9-136518172-G-C. GRCh37 (hg19) VCF-style: chr9-139412624-G-C.
Other names: c.1220C>G, p.Pro407Arg (LRG_1122t1); short protein forms P407R.
Identifiers: ClinVar variation 219374 (VCV000219374.4), dbSNP rs754529382, ClinGen allele CA349836.
Genomic context (GRCh38, chr9:136,518,172, plus strand): 5'-CCGCACCCCCTGTGCTGGCACCTACCCAGCGAGCACTCATCCACGTCCTGGCTGCAGGCC[G>C]GGCCCGTGTACCCCGAGGGGCAGGTGCAGATGGCCTTGCCATTGACAGGGTTGGTGTCGC-3'
Protein context (NP_060087.3, residues 397-417): ICTCPSGYTG[Pro407Arg]ACSQDVDECS